The following is an entry in ClinVar:

NM_033100.4(CDHR1):c.1021A>G (p.Ile341Val)

Gene: CDHR1 (cadherin related family member 1; plus strand). Cytogenetic location: 10q23.1.
Variant type: single nucleotide variant.
Coding change: c.1021A>G on transcript NM_033100.4 (MANE Select); coding-DNA position 1021, A replaced by G.
Protein change: p.Ile341Val; replaces isoleucine 341 with valine.
Molecular consequence: missense variant.
Genome position (GRCh38, 1-based): chr10:84,208,231, A>G. VCF-style: chr10-84208231-A-G. GRCh37 (hg19) VCF-style: chr10-85967987-A-G.
Other names: c.1021A>G, p.Ile341Val (NM_001171971.3); c.1021A>G (NM_033100.3, NM_033100.2); short protein forms I341V.
Identifiers: ClinVar variation 1987799 (VCV001987799.3), dbSNP rs148651354, ClinGen allele CA5579814.

ClinVar aggregate classification (germline): Uncertain significance. Review status: criteria provided, multiple submitters, no conflicts (2 of 4 stars). 3 submissions from 3 submitters: Uncertain significance (3). Last evaluated 2026-07-20.

Conditions:
CDHR1-related disorder. Also called: CDHR1-related condition.
Inborn genetic diseases. Identifiers: MedGen C0950123, MeSH D030342.

Allele frequency attached by ClinVar (database versions not stated): gnomAD 0.00001; ExAC 0.00002; TOPMed 0.00003; gnomAD exomes 0.00008; ESP Exome Variant Server 0.00015.
gnomAD v4.1: 120 of 1,614,044 alleles (0.0074%); highest among the groups gnomAD compares: Non-Finnish European, 0.01%; no homozygotes.

Submissions (3):

PreventionGenetics, part of Exact Sciences
Classification: Uncertain significance for CDHR1-related condition. Last evaluated: 2026-07-20. Review status: criteria provided, single submitter. Criteria: ACMG Guidelines, 2015. Collection method: clinical testing. Allele origin: germline.
Comment: The CDHR1 c.1021A>G variant is predicted to result in the amino acid substitution p.Ile341Val. To our knowledge, this variant has not been reported in the literature. This variant is present in 0.0040% of alleles in individuals of African descent in gnomAD. At this time, the clinical significance of this variant is uncertain due to the absence of conclusive functional and genetic evidence.

Ambry Genetics
Classification: Uncertain significance for Inborn genetic diseases. Last evaluated: 2024-07-27. Review status: criteria provided, single submitter. Criteria: Ambry Variant Classification Scheme 2023. Collection method: clinical testing. Allele origin: germline.

Labcorp Genetics (formerly Invitae), Labcorp
Classification: Uncertain significance. Last evaluated: 2022-08-13. Review status: criteria provided, single submitter. Criteria: Invitae Variant Classification Sherloc (09022015). Collection method: clinical testing. Allele origin: germline.
Comment: This sequence change replaces isoleucine, which is neutral and non-polar, with valine, which is neutral and non-polar, at codon 341 of the CDHR1 protein (p.Ile341Val). This variant is present in population databases (rs148651354, gnomAD 0.004%). This variant has not been reported in the literature in individuals affected with CDHR1-related conditions. Advanced modeling of protein sequence and biophysical properties (such as structural, functional, and spatial information, amino acid conservation, physicochemical variation, residue mobility, and thermodynamic stability) performed at Invitae indicates that this missense variant is not expected to disrupt CDHR1 protein function. In summary, the available evidence is currently insufficient to determine the role of this variant in disease. Therefore, it has been classified as a Variant of Uncertain Significance.